The following is an entry in ClinVar:

NM_000051.4(ATM):c.4403T>A (p.Val1468Asp)

Gene: ATM (ATM serine/threonine kinase; plus strand). Cytogenetic location: 11q22.3.
Variant type: single nucleotide variant.
Coding change: c.4403T>A on transcript NM_000051.4 (MANE Select); coding-DNA position 4403, T replaced by A.
Protein change: p.Val1468Asp; replaces valine 1468 with aspartic acid.
Molecular consequence: missense variant.
Genome position (GRCh38, 1-based): chr11:108,289,768, T>A. VCF-style: chr11-108289768-T-A. GRCh37 (hg19) VCF-style: chr11-108160495-T-A.
Other names: c.4403T>A, p.Val1468Asp (NM_001351834.2); short protein forms V1468D.
Identifiers: ClinVar variation 4825530 (VCV004825530.1).
Genomic context (GRCh38, chr11:108,289,768, plus strand): 5'-TATTACTGAAAGATATAAAAAGTGGCTTAGGAGGAGCTTGGGCCTTTGTTCTTCGAGACG[T>A]TATTTATACTTTGATTCACTATATCAACCAAAGGTAAATAACATATTTAGACCAATATAT-3'
Protein context (NP_000042.3, residues 1458-1478): GGAWAFVLRD[Val1468Asp]IYTLIHYINQ

ClinVar aggregate classification (germline): Uncertain significance (1 of 4 stars; one submission).

Conditions:
Hereditary cancer-predisposing syndrome. Also called: Neoplastic Syndromes, Hereditary; Tumor predisposition; Hereditary Cancer Syndrome; Hereditary neoplastic syndrome. Identifiers: Orphanet 140162, MedGen C0027672, MeSH D009386, MONDO:0015356.

gnomAD v4.1: 1 of 1,613,394 alleles (0.000062%); highest among the groups gnomAD compares: Non-Finnish European, 0.000085%; no homozygotes.

Submission:

Ambry Genetics
Classification: Uncertain significance for Hereditary cancer-predisposing syndrome. Last evaluated: 2026-02-20. Review status: criteria provided, single submitter. Criteria: Ambry Variant Classification Scheme 2023. Collection method: clinical testing. Allele origin: germline.
Comment: The p.V1468D variant (also known as c.4403T>A), located in coding exon 28 of the ATM gene, results from a T to A substitution at nucleotide position 4403. The valine at codon 1468 is replaced by aspartic acid, an amino acid with highly dissimilar properties. In an assay testing ATM function, this variant showed a functionally abnormal result (Lee KS et al. Cell, 2025 Sep;188:5081-5099.e27). This amino acid position is well conserved in available vertebrate species. In addition, this alteration is predicted to be deleterious by in silico analysis. Based on the available evidence, the clinical significance of this variant remains unclear.

Literature cited by the submitters: PubMed 40580951.